The following is an entry in ClinVar:

NM_001271696.3(ABCB7):c.211A>G (p.Lys71Glu)

Gene: ABCB7 (ATP binding cassette subfamily B member 7; minus strand). Cytogenetic location: Xq13.3.
Variant type: single nucleotide variant.
Coding change: c.211A>G on transcript NM_001271696.3 (MANE Select); coding-DNA position 211, A replaced by G.
Protein change: p.Lys71Glu; replaces lysine 71 with glutamic acid.
Molecular consequence: missense variant. On other transcripts: intron variant (1).
Genome position (GRCh38, 1-based): chrX:75,114,789, T>C on the plus strand (A>G on the coding strand, the complement: ABCB7 is on the minus strand). VCF-style: chrX-75114789-T-C. GRCh37 (hg19) VCF-style: chrX-74334624-T-C.
Other names: c.211A>G, p.Lys71Glu (NM_001271697.3); c.214A>G, p.Lys72Glu (NM_001271699.3, NM_004299.6); c.169-1817A>G (NM_001271698.3); short protein forms K72E, K71E.
Identifiers: ClinVar variation 913727 (VCV000913727.7), dbSNP rs201842753, ClinGen allele CA10455570.

ClinVar aggregate classification (germline): Benign/Likely benign. Review status: criteria provided, multiple submitters, no conflicts (2 of 4 stars). 4 submissions from 4 submitters: Benign (1); Likely benign (1). 2 of the submissions do not count toward it. Last evaluated 2024-01-24.

Conditions:
X-linked sideroblastic anemia with ataxia (SCAX6). Also called: SPINOCEREBELLAR ATAXIA, X-LINKED 6, WITH OR WITHOUT SIDEROBLASTIC ANEMIA. Identifiers: Orphanet 2802, MedGen C1845028, MONDO:0010524, OMIM 301310.

Allele frequency attached by ClinVar (database versions not stated): TOPMed 0.00002; gnomAD 0.00004 and 0.00005; gnomAD exomes 0.00006 and 0.00018; 1000 Genomes Project 30x 0.00021; ExAC 0.00022; 1000 Genomes Project 0.00026.

Submissions (4):

Blueprint Genetics
Classification: Likely benign. Last evaluated: 2024-01-24. Review status: criteria provided, single submitter. Criteria: ACMG Guidelines, 2015. Collection method: clinical testing. Allele origin: germline.

Illumina Laboratory Services, Illumina
Classification: Benign for X-linked sideroblastic anemia with ataxia. Last evaluated: 2018-01-12. Review status: criteria provided, single submitter. Criteria: ICSL Variant Classification Criteria 13 December 2019. Collection method: clinical testing. Allele origin: germline.
Comment: This variant was observed in the ICSL laboratory as part of a predisposition screen in an ostensibly healthy population. It had not been previously curated by ICSL or reported in the Human Gene Mutation Database (HGMD: prior to June 1st, 2018), and was therefore a candidate for classification through an automated scoring system. Utilizing variant allele frequency, disease prevalence and penetrance estimates, and inheritance mode, an automated score was calculated to assess if this variant is too frequent to cause the disease. Based on the score and internal cut-off values, a variant classified as benign is not then subjected to further curation. The score for this variant resulted in a classification of benign for this disease.

Clinical Genetics DNA and cytogenetics Diagnostics Lab, Erasmus MC, Erasmus Medical Center
Classification: Likely benign. Review status: no assertion criteria provided. Collection method: clinical testing. Allele origin: germline. Affected: yes. Study: VKGL Data-share Consensus. Not counted in ClinVar's aggregate classification.

Laboratory of Diagnostic Genome Analysis, Leiden University Medical Center (LUMC)
Classification: Likely benign. Review status: no assertion criteria provided. Collection method: clinical testing. Allele origin: germline. Affected: yes. Study: VKGL Data-share Consensus. Not counted in ClinVar's aggregate classification.